The following is an entry in ClinVar:

ClinVar aggregate classification (germline): Uncertain significance (1 of 4 stars; one submission).

Conditions:
Inborn genetic diseases. Identifiers: MedGen C0950123, MeSH D030342.

gnomAD v4.1: 2 of 1,614,172 alleles (0.00012%); highest among the groups gnomAD compares: African/African-American, 0.0027%; no homozygotes.

Submission:

Ambry Genetics
Classification: Uncertain significance for Inborn genetic diseases. Last evaluated: 2025-10-22. Review status: criteria provided, single submitter. Criteria: Ambry Variant Classification Scheme 2023. Collection method: clinical testing. Allele origin: germline.
Comment: The p.G1389V variant (also known as c.4166G>T), located in coding exon 13 of the ASXL1 gene, results from a G to T substitution at nucleotide position 4166. The glycine at codon 1389 is replaced by valine, an amino acid with dissimilar properties. This amino acid position is conserved. In addition, this alteration is predicted to be tolerated by in silico analysis. Based on the available evidence, the clinical significance of this variant remains unclear.

NM_015338.6(ASXL1):c.4166G>T (p.Gly1389Val)

Gene: ASXL1 (ASXL transcriptional regulator 1; plus strand). Cytogenetic location: 20q11.21.
Variant type: single nucleotide variant.
Coding change: c.4166G>T on transcript NM_015338.6 (MANE Select); coding-DNA position 4166, G replaced by T.
Protein change: p.Gly1389Val; replaces glycine 1389 with valine.
Molecular consequence: missense variant.
Genome position (GRCh38, 1-based): chr20:32,436,878, G>T. VCF-style: chr20-32436878-G-T. GRCh37 (hg19) VCF-style: chr20-31024681-G-T.
Other names: c.3983G>T, p.Gly1328Val (NM_001363734.1); short protein forms G1328V, G1389V.
Identifiers: ClinVar variation 4588020 (VCV004588020.1).